The following is an entry in ClinVar:

NM_182931.3(KMT2E):c.1188T>C (p.Asp396=)

Gene: KMT2E (lysine methyltransferase 2E (inactive); plus strand). Cytogenetic location: 7q22.3.
Variant type: single nucleotide variant.
Coding change: c.1188T>C on transcript NM_182931.3 (MANE Select); coding-DNA position 1188, T replaced by C.
Protein change: p.Asp396=; no amino-acid change (aspartic acid 396 retained).
Molecular consequence: synonymous variant.
Genome position (GRCh38, 1-based): chr7:105,078,903, T>C. VCF-style: chr7-105078903-T-C. GRCh37 (hg19) VCF-style: chr7-104719350-T-C.
Other names: c.1188T>C, p.Asp396= (NM_001410908.1, NM_018682.4).
Identifiers: ClinVar variation 3040402 (VCV003040402.4), dbSNP rs924223497, ClinGen allele CA163991925.

ClinVar aggregate classification (germline): Likely benign. Review status: criteria provided, single submitter (1 of 4 stars). 2 submissions from 2 submitters: Likely benign (1). 1 of the submissions does not count toward it. Last evaluated 2025-10-03.

Conditions:
KMT2E-related disorder. Also called: KMT2E-related condition.

Allele frequency attached by ClinVar (database versions not stated): gnomAD 0.00007; TOPMed 0.00011; gnomAD exomes below 0.00001.
gnomAD v4.1: 16 of 1,611,668 alleles (0.00099%); highest among the groups gnomAD compares: Admixed American, 0.02%; no homozygotes.

Submissions (2):

Labcorp Genetics (formerly Invitae), Labcorp
Classification: Likely benign. Last evaluated: 2025-10-03. Review status: criteria provided, single submitter. Criteria: Invitae Variant Classification Sherloc (09022015). Collection method: clinical testing. Allele origin: germline.

PreventionGenetics, part of Exact Sciences
Classification: Likely benign for KMT2E-related condition. Last evaluated: 2019-09-13. Review status: no assertion criteria provided. Collection method: clinical testing. Allele origin: germline. Not counted in ClinVar's aggregate classification.
Comment: This variant is classified as likely benign based on ACMG/AMP sequence variant interpretation guidelines (Richards et al. 2015 PMID: 25741868, with internal and published modifications).